The following is an entry in ClinVar:

NM_001036.6(RYR3):c.1413C>G (p.Asn471Lys)

Gene: RYR3 (ryanodine receptor 3; plus strand). Cytogenetic location: 15q14.
Variant type: single nucleotide variant.
Coding change: c.1413C>G on transcript NM_001036.6 (MANE Select); coding-DNA position 1413, C replaced by G.
Protein change: p.Asn471Lys; replaces asparagine 471 with lysine.
Molecular consequence: missense variant.
Genome position (GRCh38, 1-based): chr15:33,580,120, C>G. VCF-style: chr15-33580120-C-G. GRCh37 (hg19) VCF-style: chr15-33872321-C-G.
Other names: c.1413C>G, p.Asn471Lys (NM_001243996.4); c.1413C>G (NM_001036.3); short protein forms N471K.
Identifiers: ClinVar variation 834463 (VCV000834463.12), dbSNP rs202001689, ClinGen allele CA7458118.

ClinVar aggregate classification (germline): Uncertain significance. Review status: criteria provided, multiple submitters, no conflicts (2 of 4 stars). 2 submissions from 2 submitters: Uncertain significance (2). Last evaluated 2025-11-05.

Conditions:
Epileptic encephalopathy. Identifiers: MedGen C0543888, HP:0200134.

Allele frequency attached by ClinVar (database versions not stated): gnomAD exomes 0.00006; ExAC 0.00007; ESP Exome Variant Server 0.00008; TOPMed 0.00008; gnomAD 0.00009 and 0.00010.
gnomAD v4.1: 151 of 1,609,362 alleles (0.0094%); highest among the groups gnomAD compares: Non-Finnish European, 0.012%; no homozygotes.

Submissions (2):

Ambry Genetics
Classification: Uncertain significance. Last evaluated: 2025-11-05. Review status: criteria provided, single submitter. Criteria: Ambry Variant Classification Scheme 2023. Collection method: clinical testing. Allele origin: germline.

Labcorp Genetics (formerly Invitae), Labcorp
Classification: Uncertain significance for Epileptic encephalopathy. Last evaluated: 2020-02-10. Review status: criteria provided, single submitter. Criteria: Invitae Variant Classification Sherloc (09022015). Collection method: clinical testing. Allele origin: germline.
Comment: In summary, the available evidence is currently insufficient to determine the role of this variant in disease. Therefore, it has been classified as a Variant of Uncertain Significance. Algorithms developed to predict the effect of missense changes on protein structure and function (SIFT, PolyPhen-2, Align-GVGD) all suggest that this variant is likely to be tolerated, but these predictions have not been confirmed by published functional studies and their clinical significance is uncertain. This variant has not been reported in the literature in individuals with RYR3-related conditions. This variant is present in population databases (rs202001689, ExAC 0.01%). This sequence change replaces asparagine with lysine at codon 471 of the RYR3 protein (p.Asn471Lys). The asparagine residue is moderately conserved and there is a moderate physicochemical difference between asparagine and lysine.